The following is an entry in ClinVar:

ClinVar aggregate classification (germline): Uncertain significance (1 of 4 stars; one submission).

gnomAD v4.1: 1 of 1,612,868 alleles (0.000062%); highest among the groups gnomAD compares: South Asian, 0.0011%; no homozygotes.

Submission:

Labcorp Genetics (formerly Invitae), Labcorp
Classification: Uncertain significance. Last evaluated: 2024-05-15. Review status: criteria provided, single submitter. Criteria: Invitae Variant Classification Sherloc (09022015). Collection method: clinical testing. Allele origin: germline.
Comment: This sequence change replaces proline, which is neutral and non-polar, with serine, which is neutral and polar, at codon 121 of the DSG1 protein (p.Pro121Ser). This variant is not present in population databases (gnomAD no frequency). This variant has not been reported in the literature in individuals affected with DSG1-related conditions. Advanced modeling of protein sequence and biophysical properties (such as structural, functional, and spatial information, amino acid conservation, physicochemical variation, residue mobility, and thermodynamic stability) performed at Invitae indicates that this missense variant is not expected to disrupt DSG1 protein function with a negative predictive value of 80%. In summary, the available evidence is currently insufficient to determine the role of this variant in disease. Therefore, it has been classified as a Variant of Uncertain Significance.

NM_001942.4(DSG1):c.361C>T (p.Pro121Ser)

Gene: DSG1 (desmoglein 1; plus strand). Cytogenetic location: 18q12.1.
Variant type: single nucleotide variant.
Coding change: c.361C>T on transcript NM_001942.4 (MANE Select); coding-DNA position 361, C replaced by T.
Protein change: p.Pro121Ser; replaces proline 121 with serine.
Molecular consequence: missense variant.
Genome position (GRCh38, 1-based): chr18:31,328,333, C>T. VCF-style: chr18-31328333-C-T. GRCh37 (hg19) VCF-style: chr18-28908296-C-T.
Other names: short protein forms P121S.
Identifiers: ClinVar variation 3653537 (VCV003653537.2).
Genomic context (GRCh38, chr18:31,328,333, plus strand): 5'-GTCATTAATCAGAAAACTGGTGAAATTAATATAACATCCATAGTTGATCGAGAGGTCACT[C>T]CTTTCTTCATTGTAAGTGGACTTCATGTCAATATATATGTTCATGCTTAAATTCTTCTCA-3'
Protein context (NP_001933.2, residues 111-131): ITSIVDREVT[Pro121Ser]FFIIYCRALN